The following is an entry in ClinVar:

NM_003737.4(DCHS1):c.3184C>G (p.Arg1062Gly)

Gene: DCHS1 (dachsous cadherin-related 1; minus strand). Cytogenetic location: 11p15.4.
Variant type: single nucleotide variant.
Coding change: c.3184C>G on transcript NM_003737.4 (MANE Select); coding-DNA position 3184, C replaced by G.
Protein change: p.Arg1062Gly; replaces arginine 1062 with glycine.
Molecular consequence: missense variant.
Genome position (GRCh38, 1-based): chr11:6,632,328, G>C on the plus strand (C>G on the coding strand, the complement: DCHS1 is on the minus strand). VCF-style: chr11-6632328-G-C. GRCh37 (hg19) VCF-style: chr11-6653559-G-C.
Other names: short protein forms R1062G.
Identifiers: ClinVar variation 786590 (VCV000786590.15), dbSNP rs151278380, ClinGen allele CA5860590.

ClinVar aggregate classification (germline): Likely benign. Review status: criteria provided, multiple submitters, no conflicts (2 of 4 stars). 4 submissions from 4 submitters: Likely benign (3). 1 of the submissions does not count toward it. Last evaluated 2026-03-27.

Conditions:
DCHS1-related disorder. Also called: DCHS1-related condition.

Allele frequency attached by ClinVar (database versions not stated): TOPMed 0.00094; gnomAD 0.00102; ESP Exome Variant Server 0.00146; 1000 Genomes Project 0.00280; 1000 Genomes Project 30x 0.00297.
gnomAD v4.1: 259 of 1,613,912 alleles (0.016%); highest among the groups gnomAD compares: African/African-American, 0.3%; no homozygotes.

Submissions (5):

Women's Health and Genetics/Laboratory Corporation of America, LabCorp
Classification: Likely benign. Last evaluated: 2026-03-27. Review status: criteria provided, single submitter. Criteria: LabCorp Variant Classification Summary - May 2015. Collection method: clinical testing. Allele origin: germline.
Comment: Variant summary: DCHS1 c.3184C>G (p.Arg1062Gly) results in a non-conservative amino acid change in the encoded protein sequence. Algorithms developed to predict the effect of missense changes on protein structure and function are either unavailable or do not agree on the potential impact of this missense change. The variant allele was found at a frequency of 0.00027 in 251082 control chromosomes, predominantly at a frequency of 0.0036 within the African or African-American subpopulation in the gnomAD database. The observed variant frequency within African or African-American control individuals in the gnomAD database exceeds the estimated maximal expected allele frequency for disease-causing variants in DCHS1. To our knowledge, no occurrence of c.3184C>G in individuals affected with DCHS1-related conditions and no experimental evidence demonstrating its impact on protein function have been reported. ClinVar contains an entry for this variant (Variation ID: 786590). Based on the evidence outlined above, the variant was classified as likely benign.

Labcorp Genetics (formerly Invitae), Labcorp
Classification: Likely benign. Last evaluated: 2025-11-16. Review status: criteria provided, single submitter. Criteria: Invitae Variant Classification Sherloc (09022015). Collection method: clinical testing. Allele origin: germline.

Blueprint Genetics
Classification: Likely benign. Last evaluated: 2024-10-18. Review status: criteria provided, single submitter. Criteria: ACMG Guidelines, 2015. Collection method: clinical testing. Allele origin: germline.

PreventionGenetics, part of Exact Sciences
Classification: Likely benign for DCHS1-related condition. Last evaluated: 2022-02-28. Review status: no assertion criteria provided. Collection method: clinical testing. Allele origin: germline. Not counted in ClinVar's aggregate classification.
Comment: This variant is classified as likely benign based on ACMG/AMP sequence variant interpretation guidelines (Richards et al. 2015 PMID: 25741868, with internal and published modifications).

Dr. Peter K. Rogan Lab, Western University
No classification provided (evidence only). Condition: Uterine corpus endometrial carcinoma. Review status: no classification provided. Collection method: in vitro. Allele origin: not applicable. Functional consequence: retained intron. Not counted in ClinVar's aggregate classification.